The following is an entry in ClinVar:

ClinVar aggregate classification (germline): Likely benign. Review status: criteria provided, multiple submitters, no conflicts (2 of 4 stars). 2 submissions from 2 submitters: Likely benign (2). Last evaluated 2024-07-19.

Conditions:
Osteogenesis imperfecta type I (OI1). Also called: Lobstein disease; Lobstein's Disease; OI, TYPE I; OSTEOGENESIS IMPERFECTA TARDA; OSTEOGENESIS IMPERFECTA WITH BLUE SCLERAE; Osteogenesis imperfecta type 1. Identifiers: Orphanet 216796, Orphanet 666, MedGen C0023931, MONDO:0008146, OMIM 166200. Disease mechanism: loss of function.

Allele frequency attached by ClinVar (database versions not stated): ExAC 0.00001; gnomAD exomes 0.00001; TOPMed 0.00001; gnomAD 0.00010.
gnomAD v4.1: 27 of 1,613,434 alleles (0.0017%); highest among the groups gnomAD compares: African/African-American, 0.0067%; no homozygotes.

Submissions (2):

Labcorp Genetics (formerly Invitae), Labcorp
Classification: Likely benign for Osteogenesis imperfecta type I. Last evaluated: 2024-07-19. Review status: criteria provided, single submitter. Criteria: Invitae Variant Classification Sherloc (09022015). Collection method: clinical testing. Allele origin: germline.

GeneDx
Classification: Likely benign. Last evaluated: 2017-01-03. Review status: criteria provided, single submitter. Criteria: GeneDx Variant Classification (06012015). Collection method: clinical testing. Allele origin: germline. Affected: yes.
Comment: This variant is considered likely benign or benign based on one or more of the following criteria: it is a conservative change, it occurs at a poorly conserved position in the protein, it is predicted to be benign by multiple in silico algorithms, and/or has population frequency not consistent with disease.

NM_000088.4(COL1A1):c.1300-9C>T

Gene: COL1A1 (collagen type I alpha 1 chain; minus strand). Cytogenetic location: 17q21.33.
Variant type: single nucleotide variant.
Coding change: c.1300-9C>T on transcript NM_000088.4 (MANE Select); 9 bases into the intron before coding-DNA position 1300, C replaced by T.
Molecular consequence: intron variant.
Genome position (GRCh38, 1-based): chr17:50,195,109, G>A on the plus strand (C>T on the coding strand, the complement: COL1A1 is on the minus strand). VCF-style: chr17-50195109-G-A. GRCh37 (hg19) VCF-style: chr17-48272470-G-A.
Identifiers: ClinVar variation 392216 (VCV000392216.10), dbSNP rs780311548, ClinGen allele CA8645294.